The following is an entry in ClinVar:

NM_001276270.2(MBD4):c.935A>T (p.Lys312Ile)

Gene: MBD4 (methyl-CpG binding domain 4, DNA glycosylase; minus strand). Cytogenetic location: 3q21.3.
Variant type: single nucleotide variant.
Coding change: c.935A>T on transcript NM_001276270.2 (MANE Select); coding-DNA position 935, A replaced by T.
Protein change: p.Lys312Ile; replaces lysine 312 with isoleucine.
Molecular consequence: missense variant. On other transcripts: intron variant (1).
Genome position (GRCh38, 1-based): chr3:129,436,709, T>A on the plus strand (A>T on the coding strand, the complement: MBD4 is on the minus strand). VCF-style: chr3-129436709-T-A. GRCh37 (hg19) VCF-style: chr3-129155552-T-A.
Other names: c.935A>T, p.Lys312Ile (NM_003925.3, NM_001276271.2, NM_001276272.2); c.247+1099A>T (NM_001276273.2); short protein forms K312I.
Identifiers: ClinVar variation 3728389 (VCV003728389.3).

ClinVar aggregate classification (germline): Uncertain significance. Review status: criteria provided, multiple submitters, no conflicts (2 of 4 stars). 2 submissions from 2 submitters: Uncertain significance (2). Last evaluated 2025-02-12.

Conditions:
Inborn genetic diseases. Identifiers: MedGen C0950123, MeSH D030342.

gnomAD v4.1: 1 of 1,614,182 alleles (0.000062%); highest among the groups gnomAD compares: Non-Finnish European, 0.000085%; no homozygotes.

Submissions (2):

Ambry Genetics
Classification: Uncertain significance for Inborn genetic diseases. Last evaluated: 2025-02-12. Review status: criteria provided, single submitter. Criteria: Ambry Variant Classification Scheme 2023. Collection method: clinical testing. Allele origin: germline.
Comment: The p.K312I variant (also known as c.935A>T), located in coding exon 3 of the MBD4 gene, results from an A to T substitution at nucleotide position 935. The lysine at codon 312 is replaced by isoleucine, an amino acid with dissimilar properties. This amino acid position is conserved. In addition, this alteration is predicted to be tolerated by in silico analysis. Based on the available evidence, the clinical significance of this variant remains unclear.

Labcorp Genetics (formerly Invitae), Labcorp
Classification: Uncertain significance. Last evaluated: 2025-01-01. Review status: criteria provided, single submitter. Criteria: Invitae Variant Classification Sherloc (09022015). Collection method: clinical testing. Allele origin: germline.
Comment: This sequence change replaces lysine, which is basic and polar, with isoleucine, which is neutral and non-polar, at codon 312 of the MBD4 protein (p.Lys312Ile). This variant is not present in population databases (gnomAD no frequency). This variant has not been reported in the literature in individuals affected with MBD4-related conditions. Experimental studies and prediction algorithms are not available or were not evaluated, and the functional significance of this variant is currently unknown. In summary, the available evidence is currently insufficient to determine the role of this variant in disease. Therefore, it has been classified as a Variant of Uncertain Significance.